The following is an entry in ClinVar:

ClinVar aggregate classification (germline): Uncertain significance. Review status: criteria provided, multiple submitters, no conflicts (2 of 4 stars). 2 submissions from 2 submitters: Uncertain significance (2). Last evaluated 2020-09-10.

Conditions:
Muscular dystrophy-dystroglycanopathy (congenital with brain and eye anomalies), type a, 8 (MDDGA8). Also called: WALKER-WARBURG SYNDROME OR MUSCLE-EYE-BRAIN DISEASE, GTDC2-RELATED. Identifiers: Orphanet 899, MedGen C3553813, MONDO:0013904, OMIM 614830.

Allele frequency attached by ClinVar (database versions not stated): gnomAD exomes below 0.00001.

Submissions (2):

Baylor Genetics
Classification: Uncertain significance for Muscular dystrophy-dystroglycanopathy (congenital with brain and eye anomalies), type a, 8. Last evaluated: 2020-09-10. Review status: criteria provided, single submitter. Criteria: ACMG Guidelines, 2015. Collection method: clinical testing. Allele origin: unknown. Affected: yes.
Comment: This variant was determined to be of uncertain significance according to ACMG Guidelines, 2015 [PMID:25741868].

Labcorp Genetics (formerly Invitae), Labcorp
Classification: Uncertain significance for Muscular dystrophy-dystroglycanopathy (congenital with brain and eye anomalies), type a, 8. Last evaluated: 2019-10-03. Review status: criteria provided, single submitter. Criteria: Invitae Variant Classification Sherloc (09022015). Collection method: clinical testing. Allele origin: germline.
Comment: This sequence change replaces arginine with lysine at codon 518 of the POMGNT2 protein (p.Arg518Lys). The arginine residue is highly conserved and there is a small physicochemical difference between arginine and lysine. This variant is not present in population databases (ExAC no frequency). This variant has not been reported in the literature in individuals with POMGNT2-related conditions. Algorithms developed to predict the effect of missense changes on protein structure and function output the following: SIFT: "Deleterious"; PolyPhen-2: "Benign"; Align-GVGD: "Class C25". The lysine amino acid residue is found in multiple mammalian species, suggesting that this missense change does not adversely affect protein function. These predictions have not been confirmed by published functional studies and their clinical significance is uncertain. In summary, the available evidence is currently insufficient to determine the role of this variant in disease. Therefore, it has been classified as a Variant of Uncertain Significance.

NM_032806.6(POMGNT2):c.1553G>A (p.Arg518Lys)

Gene: POMGNT2 (protein O-linked mannose N-acetylglucosaminyltransferase 2 (beta 1,4-); minus strand). Cytogenetic location: 3p22.1.
Variant type: single nucleotide variant.
Coding change: c.1553G>A on transcript NM_032806.6 (MANE Select); coding-DNA position 1553, G replaced by A.
Protein change: p.Arg518Lys; replaces arginine 518 with lysine.
Molecular consequence: missense variant.
Genome position (GRCh38, 1-based): chr3:43,079,879, C>T on the plus strand (G>A on the coding strand, the complement: POMGNT2 is on the minus strand). VCF-style: chr3-43079879-C-T. GRCh37 (hg19) VCF-style: chr3-43121371-C-T.
Other names: short protein forms R518K.
Identifiers: ClinVar variation 967077 (VCV000967077.6), dbSNP rs2089830692, ClinGen allele CA352299716.
Genomic context (GRCh38, chr3:43,079,879, plus strand): 5'-ATGTAAGGCACGTAGGTGTTCTCCCCCTGCTCCTGCAGCCACACCTCGTACTTCACCTCC[C>T]TCACCTTCAGGTATTTAAGGTTCCATGGGATCTGCCAGGAGACAGTGAGGCGGGCCTCGG-3'
Protein context (NP_116195.2, residues 508-528): IPWNLKYLKV[Arg518Lys]EVKYEVWLQE